The following is an entry in ClinVar:

NM_001018113.3(FANCB):c.1104+4A>G

Gene: FANCB (FA complementation group B; minus strand). Cytogenetic location: Xp22.2.
Variant type: single nucleotide variant.
Coding change: c.1104+4A>G on transcript NM_001018113.3 (MANE Select); 4 bases into the intron after coding-DNA position 1104, A replaced by G.
Molecular consequence: intron variant.
Genome position (GRCh38, 1-based): chrX:14,859,178, T>C on the plus strand (A>G on the coding strand, the complement: FANCB is on the minus strand). VCF-style: chrX-14859178-T-C. GRCh37 (hg19) VCF-style: chrX-14877300-T-C.
Other names: c.1104+4A>G (NM_001324162.2, NM_152633.4).
Identifiers: ClinVar variation 526404 (VCV000526404.6), dbSNP rs1555906676, ClinGen allele CA658799612.

ClinVar aggregate classification (germline): Uncertain significance (1 of 4 stars; one submission).

Conditions:
Fanconi anemia (FA). Also called: Fanconi's anemia. Identifiers: Orphanet 84, MedGen C0015625, MeSH D005199, MONDO:0019391.

Submission:

Labcorp Genetics (formerly Invitae), Labcorp
Classification: Uncertain significance for Fanconi anemia. Last evaluated: 2022-07-12. Review status: criteria provided, single submitter. Criteria: Invitae Variant Classification Sherloc (09022015). Collection method: clinical testing. Allele origin: germline.
Comment: In summary, the available evidence is currently insufficient to determine the role of this variant in disease. Therefore, it has been classified as a Variant of Uncertain Significance. Variants that disrupt the consensus splice site are a relatively common cause of aberrant splicing (PMID: 17576681, 9536098). Algorithms developed to predict the effect of sequence changes on RNA splicing suggest that this variant is not likely to affect RNA splicing. ClinVar contains an entry for this variant (Variation ID: 526404). This variant has not been reported in the literature in individuals affected with FANCB-related conditions. This variant is not present in population databases (gnomAD no frequency). This sequence change falls in intron 4 of the FANCB gene. It does not directly change the encoded amino acid sequence of the FANCB protein. It affects a nucleotide within the consensus splice site.

Literature cited by the submitters: PubMed 17576681; PubMed 9536098.